The following is an entry in ClinVar:

ClinVar aggregate classification (germline): Uncertain significance (1 of 4 stars; one submission).

Allele frequency attached by ClinVar (database versions not stated): ExAC 0.00002; gnomAD exomes 0.00002; TOPMed 0.00007; gnomAD 0.00008; 1000 Genomes Project 30x 0.00016; 1000 Genomes Project 0.00020; ESP Exome Variant Server 0.00023.
gnomAD v4.1: 37 of 1,613,374 alleles (0.0023%); highest among the groups gnomAD compares: African/African-American, 0.017%; no homozygotes.

Submission:

GeneDx
Classification: Uncertain significance. Last evaluated: 2022-12-28. Review status: criteria provided, single submitter. Criteria: GeneDx Variant Classification Process June 2021. Collection method: clinical testing. Allele origin: germline. Affected: yes.
Comment: In silico analysis supports that this missense variant has a deleterious effect on protein structure/function; Has not been previously published as pathogenic or benign to our knowledge

NM_007103.4(NDUFV1):c.1318C>T (p.Arg440Cys)

Genes: NDUFV1 (NADH:ubiquinone oxidoreductase core subunit V1; plus strand), LOC126861242 (CDK7 strongly-dependent group 2 enhancer GRCh37_chr11:67379204-67380403; plus strand). Cytogenetic location: 11q13.2.
Variant type: single nucleotide variant.
Coding change: c.1318C>T on transcript NM_007103.4 (MANE Select); coding-DNA position 1318, C replaced by T.
Protein change: p.Arg440Cys; replaces arginine 440 with cysteine.
Molecular consequence: missense variant.
Genome position (GRCh38, 1-based): chr11:67,612,381, C>T. VCF-style: chr11-67612381-C-T. GRCh37 (hg19) VCF-style: chr11-67379852-C-T.
Other names: c.1291C>T, p.Arg431Cys (NM_001166102.2); short protein forms R431C, R440C.
Identifiers: ClinVar variation 2507264 (VCV002507264.1), dbSNP rs142504598, ClinGen allele CA6143502.